The following is an entry in ClinVar:

NM_000135.4(FANCA):c.520C>A (p.Gln174Lys)

Gene: FANCA (FA complementation group A; minus strand). Cytogenetic location: 16q24.3.
Variant type: single nucleotide variant.
Coding change: c.520C>A on transcript NM_000135.4 (MANE Select); coding-DNA position 520, C replaced by A.
Protein change: p.Gln174Lys; replaces glutamine 174 with lysine.
Molecular consequence: missense variant. On other transcripts: intron variant (1).
Genome position (GRCh38, 1-based): chr16:89,810,709, G>T on the plus strand (C>A on the coding strand, the complement: FANCA is on the minus strand). VCF-style: chr16-89810709-G-T. GRCh37 (hg19) VCF-style: chr16-89877117-G-T.
Other names: c.520C>A, p.Gln174Lys (NM_001018112.3, NM_001286167.3); c.426+220C>A (NM_001351830.2); short protein forms Q174K.
Identifiers: ClinVar variation 1003306 (VCV001003306.11), dbSNP rs1454055874, ClinGen allele CA397480640.

ClinVar aggregate classification (germline): Uncertain significance. Review status: criteria provided, single submitter (1 of 4 stars). 2 submissions from 2 submitters: Uncertain significance (1). 1 of the submissions does not count toward it. Last evaluated 2020-08-20.

Conditions:
Fanconi anemia (FA). Also called: Fanconi's anemia. Identifiers: Orphanet 84, MedGen C0015625, MeSH D005199, MONDO:0019391.

Submissions (2):

Labcorp Genetics (formerly Invitae), Labcorp
Classification: Uncertain significance for Fanconi anemia. Last evaluated: 2020-08-20. Review status: criteria provided, single submitter. Criteria: Invitae Variant Classification Sherloc (09022015). Collection method: clinical testing. Allele origin: germline.
Comment: Algorithms developed to predict the effect of missense changes on protein structure and function (SIFT, PolyPhen-2, Align-GVGD) all suggest that this variant is likely to be tolerated, but these predictions have not been confirmed by published functional studies and their clinical significance is uncertain. In summary, the available evidence is currently insufficient to determine the role of this variant in disease. Therefore, it has been classified as a Variant of Uncertain Significance. This variant has not been reported in the literature in individuals with FANCA-related conditions. This sequence change replaces glutamine with lysine at codon 174 of the FANCA protein (p.Gln174Lys). The glutamine residue is weakly conserved and there is a small physicochemical difference between glutamine and lysine. This variant is not present in population databases (ExAC no frequency).

Natera, Inc.
Classification: Uncertain significance for Fanconi anemia. Last evaluated: 2020-09-30. Review status: no assertion criteria provided. Collection method: clinical testing. Allele origin: germline. Not counted in ClinVar's aggregate classification.